The following is an entry in ClinVar:

NM_005589.4(ALDH6A1):c.1483A>G (p.Thr495Ala)

Genes: ALDH6A1 (aldehyde dehydrogenase 6 family member A1; minus strand), BBOF1 (basal body orientation factor 1; plus strand). Cytogenetic location: 14q24.3.
Variant type: single nucleotide variant.
Coding change: c.1483A>G on transcript NM_005589.4 (MANE Select); coding-DNA position 1483, A replaced by G.
Protein change: p.Thr495Ala; replaces threonine 495 with alanine.
Molecular consequence: missense variant. On other transcripts: 3 prime UTR variant (1).
Genome position (GRCh38, 1-based): chr14:74,064,842, T>C on the plus strand (A>G on the coding strand, the complement: ALDH6A1 is on the minus strand). VCF-style: chr14-74064842-T-C. GRCh37 (hg19) VCF-style: chr14-74531545-T-C.
Other names: c.1444A>G, p.Thr482Ala (NM_001278593.2); c.1021A>G, p.Thr341Ala (NM_001278594.2); c.*143T>C (NM_025057.3); short protein forms T495A, T341A, T482A.
Identifiers: ClinVar variation 1359636 (VCV001359636.8), dbSNP rs142529714, ClinGen allele CA7265608.

ClinVar aggregate classification (germline): Uncertain significance (1 of 4 stars; one submission).

Allele frequency attached by ClinVar (database versions not stated): gnomAD 0.00002; TOPMed 0.00004; ESP Exome Variant Server 0.00008; gnomAD exomes below 0.00001; ExAC 0.00001.
gnomAD v4.1: 5 of 1,613,928 alleles (0.00031%); highest among the groups gnomAD compares: African/African-American, 0.0053%; no homozygotes.

Submission:

Labcorp Genetics (formerly Invitae), Labcorp
Classification: Uncertain significance. Last evaluated: 2024-01-29. Review status: criteria provided, single submitter. Criteria: Invitae Variant Classification Sherloc (09022015). Collection method: clinical testing. Allele origin: germline.
Comment: This sequence change replaces threonine, which is neutral and polar, with alanine, which is neutral and non-polar, at codon 495 of the ALDH6A1 protein (p.Thr495Ala). This variant is present in population databases (rs142529714, gnomAD no frequency). This variant has not been reported in the literature in individuals affected with ALDH6A1-related conditions. ClinVar contains an entry for this variant (Variation ID: 1359636). Advanced modeling of protein sequence and biophysical properties (such as structural, functional, and spatial information, amino acid conservation, physicochemical variation, residue mobility, and thermodynamic stability) performed at Invitae indicates that this missense variant is not expected to disrupt ALDH6A1 protein function with a negative predictive value of 95%. In summary, the available evidence is currently insufficient to determine the role of this variant in disease. Therefore, it has been classified as a Variant of Uncertain Significance.